The following is an entry in ClinVar:

NM_032043.3(BRIP1):c.1489_1490del (p.Val497fs)

Gene: BRIP1 (BRCA1 interacting DNA helicase 1; minus strand). Cytogenetic location: 17q23.2.
Variant type: Deletion.
Coding change: c.1489_1490del on transcript NM_032043.3 (MANE Select); coding-DNA positions 1489 to 1490, 2 bases deleted (GT; older notation c.1489_1490delGT).
Protein change: p.Val497fs; shifts the reading frame from valine 497.
Molecular consequence: frameshift variant.
Genome position (GRCh38, 1-based): chr17:61,784,408-61,784,409, AC deleted on the plus strand (GT on the coding strand, the reverse complement: BRIP1 is on the minus strand); deleting any 2 consecutive bases within chr17:61,784,408-61,784,410 gives the same sequence; the c. name uses the placement nearest the transcript's 3' end. VCF-style (leftmost placement, unchanged base first): chr17-61784407-AAC-A. GRCh37 (hg19) VCF-style: chr17-59861768-AAC-A.
Other names: c.1489_1490delGT (NM_032043.2); short protein forms V497fs.
Identifiers: ClinVar variation 3993148 (VCV003993148.1).
Genomic context (GRCh38, chr17:61,784,407, plus strand): 5'-AGGTACTTCTCTTGCCTCCTCTTTACCATAAATTGGTGAGATTTTTTCCTCTTTTTGAAG[AAC>A]AGCAGAAAAATGTCCCTATAAGAAATTACCATATTAAGTATAGAGGGGTTGGGAGGGAAT-3'

ClinVar aggregate classification (germline): Pathogenic (1 of 4 stars; one submission).

Conditions:
Hereditary cancer-predisposing syndrome. Also called: Tumor predisposition; Hereditary neoplastic syndrome; Neoplastic Syndromes, Hereditary; Hereditary Cancer Syndrome. Identifiers: Orphanet 140162, MedGen C0027672, MeSH D009386, MONDO:0015356.

Submission:

Ambry Genetics
Classification: Pathogenic for Hereditary cancer-predisposing syndrome. Last evaluated: 2025-05-08. Review status: criteria provided, single submitter. Criteria: Ambry Variant Classification Scheme 2023. Collection method: clinical testing. Allele origin: germline.
Comment: The c.1489_1490delGT pathogenic mutation, located in coding exon 10 of the BRIP1 gene, results from a deletion of two nucleotides at nucleotide positions 1489 to 1490, causing a translational frameshift with a predicted alternate stop codon (p.V497Sfs*13). This variant is considered to be rare based on population cohorts in the Genome Aggregation Database (gnomAD). This alteration is expected to result in loss of function by premature protein truncation or nonsense-mediated mRNA decay. As such, this alteration is interpreted as a disease-causing mutation.